The following is an entry in ClinVar:

ClinVar aggregate classification (germline): Uncertain significance (0 of 4 stars; one submission).

Conditions:
PCNT-related disorder. Also called: PCNT-related condition.

Submission:

PreventionGenetics, part of Exact Sciences
Classification: Uncertain significance for PCNT-related condition. Last evaluated: 2024-06-26. Review status: no assertion criteria provided. Collection method: clinical testing. Allele origin: germline.
Comment: The PCNT c.5662T>C variant is predicted to result in the amino acid substitution p.Ser1888Pro. To our knowledge, this variant has not been reported in the literature or in a large population database, indicating this variant is rare. At this time, the clinical significance of this variant is uncertain due to the absence of conclusive functional and genetic evidence.

NM_006031.6(PCNT):c.5662T>C (p.Ser1888Pro)

Gene: PCNT (pericentrin; plus strand). Cytogenetic location: 21q22.3.
Variant type: single nucleotide variant.
Coding change: c.5662T>C on transcript NM_006031.6 (MANE Select); coding-DNA position 5662, T replaced by C.
Protein change: p.Ser1888Pro; replaces serine 1888 with proline.
Molecular consequence: missense variant.
Genome position (GRCh38, 1-based): chr21:46,411,735, T>C. VCF-style: chr21-46411735-T-C. GRCh37 (hg19) VCF-style: chr21-47831649-T-C.
Other names: c.5308T>C, p.Ser1770Pro (NM_001315529.2); short protein forms S1770P, S1888P.
Identifiers: ClinVar variation 3347333 (VCV003347333.1).